The following is an entry in ClinVar:

ClinVar aggregate classification (germline): Uncertain significance (1 of 4 stars; one submission).

Allele frequency attached by ClinVar (database versions not stated): TOPMed below 0.00001.
gnomAD v4.1: 2 of 1,614,084 alleles (0.00012%); highest among the groups gnomAD compares: Non-Finnish European, 0.00017%; no homozygotes.

Submission:

Labcorp Genetics (formerly Invitae), Labcorp
Classification: Uncertain significance. Last evaluated: 2025-07-25. Review status: criteria provided, single submitter. Criteria: Invitae Variant Classification Sherloc (09022015). Collection method: clinical testing. Allele origin: germline.
Comment: This sequence change replaces proline, which is neutral and non-polar, with serine, which is neutral and polar, at codon 99 of the PLA2G5 protein (p.Pro99Ser). This variant is not present in population databases (gnomAD no frequency). This variant has not been reported in the literature in individuals affected with PLA2G5-related conditions. ClinVar contains an entry for this variant (Variation ID: 1496247). An algorithm developed to predict the effect of missense changes on protein structure and function outputs the following: PolyPhen-2: "Benign". The serine amino acid residue is found in multiple mammalian species, which suggests that this missense change does not adversely affect protein function. In summary, the available evidence is currently insufficient to determine the role of this variant in disease. Therefore, it has been classified as a Variant of Uncertain Significance.

NM_000929.3(PLA2G5):c.295C>T (p.Pro99Ser)

Gene: PLA2G5 (phospholipase A2 group V; plus strand). Cytogenetic location: 1p36.13.
Variant type: single nucleotide variant.
Coding change: c.295C>T on transcript NM_000929.3 (MANE Select); coding-DNA position 295, C replaced by T.
Protein change: p.Pro99Ser; replaces proline 99 with serine.
Molecular consequence: missense variant.
Genome position (GRCh38, 1-based): chr1:20,090,570, C>T. VCF-style: chr1-20090570-C-T. GRCh37 (hg19) VCF-style: chr1-20417063-C-T.
Other names: short protein forms P99S.
Identifiers: ClinVar variation 1496247 (VCV001496247.8), dbSNP rs2016518632, ClinGen allele CA338822581.